The following is an entry in ClinVar:

ClinVar aggregate classification (germline): Uncertain significance (1 of 4 stars; one submission).

gnomAD v4.1: 154 of 1,614,016 alleles (0.0095%); highest among the groups gnomAD compares: Admixed American, 0.18%; 2 homozygotes.

Submission:

Quest Diagnostics Nichols Institute San Juan Capistrano
Classification: Uncertain significance. Last evaluated: 2025-05-16. Review status: criteria provided, single submitter. Criteria: Quest Diagnostics criteria. Collection method: clinical testing. Allele origin: unknown.
Comment: The VWF c.789C>T (p.Cys263=) synonymous variant has not been reported in individuals with VWF-related conditions in the published literature. The frequency of this variant in the general population (Genome Aggregation Database) is uninformative in the assessment of its pathogenicity. Analysis of this variant using software algorithms for the prediction of the effect of nucleotide changes on splicing yielded predictions that this variant does not affect VWF mRNA splicing. Based on the available information, we are unable to determine the clinical significance of this variant.

NM_000552.5(VWF):c.789C>T (p.Cys263=)

Gene: VWF (von Willebrand factor; minus strand). Cytogenetic location: 12p13.31.
Variant type: single nucleotide variant.
Coding change: c.789C>T on transcript NM_000552.5 (MANE Select); coding-DNA position 789, C replaced by T.
Protein change: p.Cys263=; no amino-acid change (cysteine 263 retained).
Molecular consequence: synonymous variant.
Genome position (GRCh38, 1-based): chr12:6,075,420, G>A on the plus strand (C>T on the coding strand, the complement: VWF is on the minus strand). VCF-style: chr12-6075420-G-A. GRCh37 (hg19) VCF-style: chr12-6184586-G-A.
Identifiers: ClinVar variation 4533026 (VCV004533026.1).